The following is an entry in ClinVar:

NM_004006.3(DMD):c.2824A>G (p.Met942Val)

Gene: DMD (dystrophin; minus strand). Cytogenetic location: Xp21.1.
Variant type: single nucleotide variant.
Coding change: c.2824A>G on transcript NM_004006.3 (MANE Select); coding-DNA position 2824, A replaced by G.
Protein change: p.Met942Val; replaces methionine 942 with valine.
Molecular consequence: missense variant.
Genome position (GRCh38, 1-based): chrX:32,472,289, T>C on the plus strand (A>G on the coding strand, the complement: DMD is on the minus strand). VCF-style: chrX-32472289-T-C. GRCh37 (hg19) VCF-style: chrX-32490406-T-C.
Other names: p.M942V:ATG>GTG; c.2800A>G, p.Met934Val (NM_000109.4); c.2812A>G, p.Met938Val (NM_004009.3); c.2455A>G, p.Met819Val (NM_004010.3); short protein forms M942V, M934V, M819V, M938V.
Identifiers: ClinVar variation 201731 (VCV000201731.23), dbSNP rs371648742, ClinGen allele CA308343.

ClinVar aggregate classification (germline): Conflicting classifications of pathogenicity. Review status: criteria provided, conflicting classifications (1 of 4 stars). 7 submissions from 7 submitters: Uncertain significance (1); Benign (2); Likely benign (3). 1 of the submissions does not count toward it. Last evaluated 2026-01-16.

Conditions:
Dystrophin deficiency.
Cardiomyopathy (CMYO). Also called: Cardiomyopathies. Identifiers: Orphanet 167848, MedGen C0878544, MONDO:0004994, HP:0001638. Inheritance: Various modes of inheritance.
Becker muscular dystrophy (BMD). Also called: MUSCULAR DYSTROPHY, PSEUDOHYPERTROPHIC PROGRESSIVE, BECKER TYPE; Becker Muscular Dystrophy (BMD). Identifiers: Orphanet 98895, MedGen C0917713, MONDO:0010311, OMIM 300376.
Duchenne muscular dystrophy (DMD). Also called: MUSCULAR DYSTROPHY, PSEUDOHYPERTROPHIC PROGRESSIVE, DUCHENNE TYPE; Duchenne Muscular Dystrophy (DMD). Identifiers: Orphanet 98896, MedGen C0013264, MONDO:0010679, OMIM 310200.
DMD-related disorder. Also called: DMD-related condition.
Cardiovascular phenotype. Identifiers: MedGen CN230736.

Allele frequency attached by ClinVar (database versions not stated): gnomAD exomes 0.00004 and 0.00013; ESP Exome Variant Server 0.00009; ExAC 0.00017; gnomAD 0.00038 and 0.00042; TOPMed 0.00041; 1000 Genomes Project 30x 0.00083; 1000 Genomes Project 0.00106.
gnomAD v4.1: 80 of 1,209,004 alleles (0.0066%); highest among the groups gnomAD compares: African/African-American, 0.13%; 1 homozygote.

Submissions (7):

Labcorp Genetics (formerly Invitae), Labcorp
Classification: Benign for Duchenne muscular dystrophy. Last evaluated: 2026-01-16. Review status: criteria provided, single submitter. Criteria: Invitae Variant Classification Sherloc (09022015). Collection method: clinical testing. Allele origin: germline.

PreventionGenetics, part of Exact Sciences
Classification: Likely benign for DMD-related condition. Last evaluated: 2025-06-19. Review status: criteria provided, single submitter. Criteria: ACMG Guidelines, 2015. Collection method: clinical testing. Allele origin: germline.
Comment: This variant is classified as likely benign based on ACMG/AMP sequence variant interpretation guidelines (Richards et al. 2015 PMID: 25741868, with internal and published modifications).

GeneDx
Classification: Benign. Last evaluated: 2020-03-26. Review status: criteria provided, single submitter. Criteria: GeneDx Variant Classification Process June 2021. Collection method: clinical testing. Allele origin: germline. Affected: yes.

Molecular Diagnostic Laboratory for Inherited Cardiovascular Disease, Montreal Heart Institute
Classification: Likely benign. Last evaluated: 2019-04-11. Review status: criteria provided, single submitter. Criteria: ACMG Guidelines, 2015. Collection method: clinical testing. Allele origin: germline. Affected: yes.

Ambry Genetics
Classification: Likely benign for Cardiovascular phenotype. Last evaluated: 2018-10-28. Review status: criteria provided, single submitter. Criteria: Ambry Variant Classification Scheme 2023. Collection method: clinical testing. Allele origin: germline.

Eurofins Ntd Llc (ga)
Classification: Uncertain significance. Last evaluated: 2016-09-09. Review status: criteria provided, single submitter. Criteria: EGL Classification Definitions 2015. Collection method: clinical testing. Allele origin: germline. Observed: 2 variant alleles, 1 heterozygote, 1 hemizygote.

Natera, Inc.
Classification: Likely benign for Becker muscular dystrophy; Cardiomyopathy; Duchenne muscular dystrophy; Dystrophin deficiency. Last evaluated: 2019-06-24. Review status: no assertion criteria provided. Collection method: clinical testing. Allele origin: germline. Not counted in ClinVar's aggregate classification.